The following is an entry in ClinVar:

NM_003072.5(SMARCA4):c.4170+16G>A

Gene: SMARCA4 (SWI/SNF related BAF chromatin remodeling complex subunit ATPase 4; plus strand). Cytogenetic location: 19p13.2.
Variant type: single nucleotide variant.
Coding change: c.4170+16G>A on transcript NM_003072.5 (MANE Select); 16 bases into the intron after coding-DNA position 4170, G replaced by A.
Molecular consequence: intron variant.
Genome position (GRCh38, 1-based): chr19:11,035,148, G>A. VCF-style: chr19-11035148-G-A. GRCh37 (hg19) VCF-style: chr19-11145824-G-A.
Other names: c.4170+16G>A (NM_001128844.3, NM_001128849.3, NM_001387283.1); c.4071+16G>A (NM_001128847.4, NM_001374457.1, NM_001128845.2 and 2 more transcripts).
Identifiers: ClinVar variation 516481 (VCV000516481.10), dbSNP rs191812860, ClinGen allele CA9204601.

ClinVar aggregate classification (germline): Benign/Likely benign. Review status: criteria provided, multiple submitters, no conflicts (2 of 4 stars). 4 submissions from 4 submitters: Benign (2); Likely benign (2). Last evaluated 2026-02-03.

Conditions:
Rhabdoid tumor predisposition syndrome 2 (RTPS2). Identifiers: Orphanet 231108, Orphanet 69077, MedGen C2750074, MONDO:0013224, OMIM 613325.

Allele frequency attached by ClinVar (database versions not stated): gnomAD 0.00019 and 0.00029; gnomAD exomes 0.00021 and 0.00073; TOPMed 0.00047; ExAC 0.00103; 1000 Genomes Project 0.00120; 1000 Genomes Project 30x 0.00141.
gnomAD v4.1: 339 of 1,604,108 alleles (0.021%); highest among the groups gnomAD compares: East Asian, 0.73%; no homozygotes.

Submissions (4):

Labcorp Genetics (formerly Invitae), Labcorp
Classification: Benign for Rhabdoid tumor predisposition syndrome 2. Last evaluated: 2026-02-03. Review status: criteria provided, single submitter. Criteria: Invitae Variant Classification Sherloc (09022015). Collection method: clinical testing. Allele origin: germline.

Blueprint Genetics
Classification: Likely benign. Last evaluated: 2024-08-26. Review status: criteria provided, single submitter. Criteria: ACMG Guidelines, 2015. Collection method: clinical testing. Allele origin: germline.

ARUP Laboratories, Molecular Genetics and Genomics, ARUP Laboratories
Classification: Benign. Last evaluated: 2023-05-25. Review status: criteria provided, single submitter. Criteria: ARUP Molecular Germline Variant Investigation Process 2024. Collection method: clinical testing. Allele origin: germline.

GeneDx
Classification: Likely benign. Last evaluated: 2017-04-14. Review status: criteria provided, single submitter. Criteria: GeneDx Variant Classification (06012015). Collection method: clinical testing. Allele origin: germline. Affected: yes.
Comment: This variant is considered likely benign or benign based on one or more of the following criteria: it is a conservative change, it occurs at a poorly conserved position in the protein, it is predicted to be benign by multiple in silico algorithms, and/or has population frequency not consistent with disease.